The following is an entry in ClinVar:

NM_019888.3(MC3R):c.378C>G (p.Ile126Met)

Gene: MC3R (melanocortin 3 receptor; plus strand). Cytogenetic location: 20q13.2.
Variant type: single nucleotide variant.
Coding change: c.378C>G on transcript NM_019888.3 (MANE Select); coding-DNA position 378, C replaced by G.
Protein change: p.Ile126Met; replaces isoleucine 126 with methionine.
Molecular consequence: missense variant.
Genome position (GRCh38, 1-based): chr20:56,249,221, C>G. VCF-style: chr20-56249221-C-G. GRCh37 (hg19) VCF-style: chr20-54824277-C-G.
Other names: short protein forms I126M.
Identifiers: ClinVar variation 4987004 (VCV004987004.1).

ClinVar aggregate classification (germline): Uncertain significance (1 of 4 stars; one submission).

Conditions:
MC3R-related disorder. Also called: MC3R-related condition.

Submission:

PreventionGenetics, part of Exact Sciences
Classification: Uncertain significance for MC3R-related condition. Last evaluated: 2026-09-23. Review status: criteria provided, single submitter. Criteria: ACMG Guidelines, 2015. Collection method: clinical testing. Allele origin: germline.
Comment: The MC3R c.378C>G variant is predicted to result in the amino acid substitution p.Ile126Met. To our knowledge, this variant has not been reported in the literature. This variant is reported in 0.0058% of alleles in individuals of Latino descent in gnomAD. At this time, the clinical significance of this variant is uncertain due to the absence of conclusive functional and genetic evidence.